The following is an entry in ClinVar:

ClinVar aggregate classification (germline): Uncertain significance. Review status: criteria provided, multiple submitters, no conflicts (2 of 4 stars). 2 submissions from 2 submitters: Uncertain significance (2). Last evaluated 2025-10-16.

Conditions:
Inborn genetic diseases. Identifiers: MedGen C0950123, MeSH D030342.
Camptomelic dysplasia (CMPD). Also called: CMPD1/SRA1; Campomelic Dysplasia. Identifiers: Orphanet 140, MedGen C1861922, MONDO:0007251, OMIM 114290.

Allele frequency attached by ClinVar (database versions not stated): ExAC 0.00001; TOPMed 0.00002; gnomAD 0.00003; ESP Exome Variant Server 0.00008.

Submissions (2):

Labcorp Genetics (formerly Invitae), Labcorp
Classification: Uncertain significance for Camptomelic dysplasia. Last evaluated: 2025-10-16. Review status: criteria provided, single submitter. Criteria: Invitae Variant Classification Sherloc (09022015). Collection method: clinical testing. Allele origin: germline.
Comment: This sequence change replaces methionine, which is neutral and non-polar, with valine, which is neutral and non-polar, at codon 218 of the SOX9 protein (p.Met218Val). This variant is present in population databases (rs377486002, gnomAD 0.002%). This variant has not been reported in the literature in individuals affected with SOX9-related conditions. ClinVar contains an entry for this variant (Variation ID: 3167831). Invitae Evidence Modeling of protein sequence and biophysical properties (such as structural, functional, and spatial information, amino acid conservation, physicochemical variation, residue mobility, and thermodynamic stability) indicates that this missense variant is not expected to disrupt SOX9 protein function with a negative predictive value of 95%. In summary, the available evidence is currently insufficient to determine the role of this variant in disease. Therefore, it has been classified as a Variant of Uncertain Significance.

Ambry Genetics
Classification: Uncertain significance for Inborn genetic diseases. Last evaluated: 2023-10-16. Review status: criteria provided, single submitter. Criteria: Ambry Variant Classification Scheme 2023. Collection method: clinical testing. Allele origin: germline.

NM_000346.4(SOX9):c.652A>G (p.Met218Val)

Gene: SOX9 (SRY-box transcription factor 9; plus strand). Cytogenetic location: 17q24.3.
Variant type: single nucleotide variant.
Coding change: c.652A>G on transcript NM_000346.4 (MANE Select); coding-DNA position 652, A replaced by G.
Protein change: p.Met218Val; replaces methionine 218 with valine.
Molecular consequence: missense variant.
Genome position (GRCh38, 1-based): chr17:72,122,939, A>G. VCF-style: chr17-72122939-A-G. GRCh37 (hg19) VCF-style: chr17-70119080-A-G.
Other names: short protein forms M218V.
Identifiers: ClinVar variation 3167831 (VCV003167831.2), dbSNP rs377486002, ClinGen allele CA8738967.
Genomic context (GRCh38, chr17:72,122,939, plus strand): 5'-ATCTCCCCCAACGCCATCTTCAAGGCGCTGCAGGCCGACTCGCCACACTCCTCCTCCGGC[A>G]TGAGCGAGGTGCACTCCCCCGGCGAGCACTCGGGTGAGTCGCCCCTCGACCCCACCGGAC-3'
Protein context (NP_000337.1, residues 208-228): QADSPHSSSG[Met218Val]SEVHSPGEHS